The following is an entry in ClinVar:

NM_000179.3(MSH6):c.529dup (p.Gln177fs)

Gene: MSH6 (mutS homolog 6; plus strand). Cytogenetic location: 2p16.3.
Variant type: Duplication.
Coding change: c.529dup on transcript NM_000179.3 (MANE Select); coding-DNA position 529, one base duplicated (C; older notation c.529dupC).
Protein change: p.Gln177fs; shifts the reading frame from glutamine 177.
Molecular consequence: frameshift variant. On other transcripts: 5 prime UTR variant (1), intron variant (2).
Genome position (GRCh38, 1-based): chr2:47,795,965, C duplicated. VCF-style (leftmost placement, unchanged base first): chr2-47795964-G-GC. GRCh37 (hg19) VCF-style: chr2-48023103-G-GC.
Other names: c.-374dup (NM_001281494.2); c.-279-2646dup (NM_001281493.2); c.238-2646dup (NM_001281492.2); short protein forms Q177fs.
Identifiers: ClinVar variation 838386 (VCV000838386.8), dbSNP rs1669059418, ClinGen allele CA916080268.
Genomic context (GRCh38, chr2:47,795,964, plus strand): 5'-AAAGGAAGCCCAGAAGGGAGGTCATTTTTACAGTGCAAAGCCTGAAATACTGAGAGCAAT[G>GC]CAACGTGCAGATGAAGCCTTAAATAAAGACAAGATTAAGAGGCTTGAATTGGCAGTTTGT-3'

ClinVar aggregate classification (germline): Pathogenic (1 of 4 stars; one submission).

Conditions:
Hereditary nonpolyposis colorectal neoplasms. Identifiers: MedGen C0009405, MeSH D003123.

Submission:

Labcorp Genetics (formerly Invitae), Labcorp
Classification: Pathogenic for Hereditary nonpolyposis colorectal neoplasms. Last evaluated: 2019-03-03. Review status: criteria provided, single submitter. Criteria: Invitae Variant Classification Sherloc (09022015). Collection method: clinical testing. Allele origin: germline.
Comment: This variant is not present in population databases (ExAC no frequency). This variant has not been reported in the literature in individuals with MSH6-related conditions. Loss-of-function variants in MSH6 are known to be pathogenic (PMID: 18269114, 24362816). For these reasons, this variant has been classified as Pathogenic. This sequence change creates a premature translational stop signal (p.Gln177Profs*5) in the MSH6 gene. It is expected to result in an absent or disrupted protein product.

Literature cited by the submitters: PubMed 18269114; PubMed 24362816.